The following is an entry in ClinVar:

ClinVar aggregate classification (germline): Uncertain significance (1 of 4 stars; one submission).

gnomAD v4.1: 1 of 1,613,564 alleles (0.000062%); no homozygotes.

Submission:

Labcorp Genetics (formerly Invitae), Labcorp
Classification: Uncertain significance. Last evaluated: 2022-08-20. Review status: criteria provided, single submitter. Criteria: Invitae Variant Classification Sherloc (09022015). Collection method: clinical testing. Allele origin: germline.
Comment: Algorithms developed to predict the effect of missense changes on protein structure and function output the following: SIFT: "Tolerated"; PolyPhen-2: "Possibly Damaging"; Align-GVGD: "Class C0". The serine amino acid residue is found in multiple mammalian species, which suggests that this missense change does not adversely affect protein function. In summary, the available evidence is currently insufficient to determine the role of this variant in disease. Therefore, it has been classified as a Variant of Uncertain Significance. This variant has not been reported in the literature in individuals affected with PCLO-related conditions. This variant is not present in population databases (gnomAD no frequency). This sequence change replaces proline, which is neutral and non-polar, with serine, which is neutral and polar, at codon 440 of the PCLO protein (p.Pro440Ser).

NM_033026.6(PCLO):c.1318C>T (p.Pro440Ser)

Gene: PCLO (piccolo presynaptic cytomatrix protein; minus strand). Cytogenetic location: 7q21.11.
Variant type: single nucleotide variant.
Coding change: c.1318C>T on transcript NM_033026.6 (MANE Select); coding-DNA position 1318, C replaced by T.
Protein change: p.Pro440Ser; replaces proline 440 with serine.
Molecular consequence: missense variant.
Genome position (GRCh38, 1-based): chr7:83,155,323, G>A on the plus strand (C>T on the coding strand, the complement: PCLO is on the minus strand). VCF-style: chr7-83155323-G-A. GRCh37 (hg19) VCF-style: chr7-82784639-G-A.
Other names: c.1318C>T, p.Pro440Ser (NM_014510.3); short protein forms P440S.
Identifiers: ClinVar variation 1933488 (VCV001933488.5), dbSNP rs2484901022, ClinGen allele CA367914704.
Genomic context (GRCh38, chr7:83,155,323, plus strand): 5'-AAGTCTTTCCGGGTCCTGCCTGTTGAGCTGGAATCTTTCCTGGCCCAGGCTGCTGAACTG[G>A]AGTCTTTGTAGGCCCAGGTGCCTTAGCTGGAGACTGTAGCCCAGGTTGTTGAGCTAGGGG-3'
Protein context (NP_149015.2, residues 430-450): PAKAPGPTKT[Pro440Ser]VQQPGPGKIP